The following is an entry in ClinVar:

ClinVar aggregate classification (germline): Likely benign (1 of 4 stars; one submission).

Conditions:
Familial cancer of breast. Also called: hereditary breast carcinoma; Hereditary breast cancer; BREAST CANCER, FAMILIAL. Identifiers: Orphanet 227535, MedGen C0346153, MONDO:0016419, OMIM 114480. Disease mechanism: loss of function.

Submission:

Myriad Genetics, Inc.
Classification: Likely benign for Familial cancer of breast. Last evaluated: 2024-07-25. Review status: criteria provided, single submitter. Criteria: Myriad Autosomal Dominant, Autosomal Recessive and X-Linked Classification Criteria (2023). Collection method: clinical testing. Allele origin: unknown.
Comment: This variant is considered likely benign. This variant is intronic and is not expected to impact mRNA splicing.

NM_000465.4(BARD1):c.1396-10A>C

Gene: BARD1 (BRCA1 associated RING domain 1; minus strand). Cytogenetic location: 2q35.
Variant type: single nucleotide variant.
Coding change: c.1396-10A>C on transcript NM_000465.4 (MANE Select); 10 bases into the intron before coding-DNA position 1396, A replaced by C.
Molecular consequence: intron variant.
Genome position (GRCh38, 1-based): chr2:214,767,664, T>G on the plus strand (A>C on the coding strand, the complement: BARD1 is on the minus strand). VCF-style: chr2-214767664-T-G. GRCh37 (hg19) VCF-style: chr2-215632388-T-G.
Other names: c.159-15109A>C (NM_001282548.2); c.1339-10A>C (NM_001282543.2); c.216-15109A>C (NM_001282545.2); c.364+24633A>C (NM_001282549.2).
Identifiers: ClinVar variation 3378737 (VCV003378737.1).